The following is an entry in ClinVar:

ClinVar aggregate classification (germline): Pathogenic (1 of 4 stars; one submission).

Conditions:
Acute infantile liver failure due to synthesis defect of mtDNA-encoded proteins. Also called: Liver failure acute infantile; LIVER FAILURE, INFANTILE, TRANSIENT; TRMU Deficiency. Identifiers: Orphanet 217371, MedGen C3278664, MONDO:0013111, OMIM 613070.

Submission:

Myriad Genetics, Inc.
Classification: Pathogenic for Acute infantile liver failure due to synthesis defect of mtDNA-encoded proteins. Last evaluated: 2024-05-14. Review status: criteria provided, single submitter. Criteria: Myriad Autosomal Dominant, Autosomal Recessive and X-Linked Classification Criteria (2023). Collection method: clinical testing. Allele origin: unknown.
Comment: NM_018006.4(TRMU):c.816del1ins18(R274Sfs*6) is expected to be pathogenic in the context of acute liver failure, TRMU-related. This variant is predicted to lead to an abnormal or absent protein product due to the creation of a premature termination codon in TRMU, a gene where loss-of-function variants are known to be pathogenic. Please note: this variant was assessed in the context of healthy population screening.

NM_018006.5(TRMU):c.816delinsACTGTCTCTTATACACAT (p.Arg274fs)

Gene: TRMU (tRNA mitochondrial 2-thiouridylase; plus strand). Cytogenetic location: 22q13.31.
Variant type: Indel.
Coding change: c.816delinsACTGTCTCTTATACACAT on transcript NM_018006.5 (MANE Select); coding-DNA position 816, C replaced by ACTGTCTCTTATACACAT.
Protein change: p.Arg274fs; shifts the reading frame from arginine 274.
Molecular consequence: frameshift variant. On other transcripts: non-coding transcript variant (2).
Genome position (GRCh38, 1-based): chr22:46,353,810, C replaced by ACTGTCTCTTATACACAT. VCF-style: chr22-46353810-C-ACTGTCTCTTATACACAT. GRCh37 (hg19) VCF-style: chr22-46749707-C-ACTGTCTCTTATACACAT.
Other names: c.474delinsACTGTCTCTTATACACAT, p.Arg160fs (NM_001282782.2); c.396delinsACTGTCTCTTATACACAT, p.Arg134fs (NM_001282783.2, NM_001282784.2); c.816delinsACTGTCTCTTATACACAT, p.Arg274fs (NM_001282785.2); short protein forms R134fs, R160fs, R274fs.
Identifiers: ClinVar variation 5010579 (VCV005010579.1).